The following is an entry in ClinVar:

ClinVar aggregate classification (germline): Uncertain significance (1 of 4 stars; one submission).

Conditions:
Long QT syndrome (LQTS). Identifiers: MedGen C0023976, MeSH D008133, MONDO:0002442. Disease mechanism: loss of function. Inheritance: Various modes of inheritance.

Submission:

Labcorp Genetics (formerly Invitae), Labcorp
Classification: Uncertain significance for Long QT syndrome. Last evaluated: 2024-05-29. Review status: criteria provided, single submitter. Criteria: Invitae Variant Classification Sherloc (09022015). Collection method: clinical testing. Allele origin: germline.
Comment: This sequence change replaces arginine, which is basic and polar, with proline, which is neutral and non-polar, at codon 1005 of the KCNH2 protein (p.Arg1005Pro). This variant is not present in population databases (gnomAD no frequency). This variant has not been reported in the literature in individuals affected with KCNH2-related conditions. An algorithm developed to predict the effect of missense changes on protein structure and function (PolyPhen-2) suggests that this variant is likely to be disruptive. In summary, the available evidence is currently insufficient to determine the role of this variant in disease. Therefore, it has been classified as a Variant of Uncertain Significance.

NM_000238.4(KCNH2):c.3014G>C (p.Arg1005Pro)

Gene: KCNH2 (potassium voltage-gated channel subfamily H member 2; minus strand). Cytogenetic location: 7q36.1.
Variant type: single nucleotide variant.
Coding change: c.3014G>C on transcript NM_000238.4 (MANE Select); coding-DNA position 3014, G replaced by C.
Protein change: p.Arg1005Pro; replaces arginine 1005 with proline.
Molecular consequence: missense variant. On other transcripts: non-coding transcript variant (2).
Genome position (GRCh38, 1-based): chr7:150,947,466, C>G on the plus strand (G>C on the coding strand, the complement: KCNH2 is on the minus strand). VCF-style: chr7-150947466-C-G. GRCh37 (hg19) VCF-style: chr7-150644554-C-G.
Other names: c.2726G>C, p.Arg909Pro (NM_001406753.1); c.1994G>C, p.Arg665Pro (NM_172057.3); short protein forms R665P, R909P, R1005P.
Identifiers: ClinVar variation 3672123 (VCV003672123.2).
Genomic context (GRCh38, chr7:150,947,466, plus strand): 5'-ATGTTGAGGAGGCTGGGGGTGGGGGCGGGGCATCGAGGGAGCTCCTGGTACTGGCGGCCC[C>G]GACTGTCCCCCCAGAAGCTGAAAATGTTGGACACTCCTGAGAAGGCGCCTGCAGCCAGAG-3'
Protein context (NP_000229.1, residues 995-1015): SNIFSFWGDS[Arg1005Pro]GRQYQELPRC